The following is an entry in ClinVar:

NM_003846.3(PEX11B):c.555A>T (p.Gln185His)

Gene: PEX11B (peroxisomal biogenesis factor 11 beta; minus strand). Cytogenetic location: 1q21.1.
Variant type: single nucleotide variant.
Coding change: c.555A>T on transcript NM_003846.3 (MANE Select); coding-DNA position 555, A replaced by T.
Protein change: p.Gln185His; replaces glutamine 185 with histidine.
Molecular consequence: missense variant. On other transcripts: non-coding transcript variant (3).
Genome position (GRCh38, 1-based): chr1:145,912,386, T>A on the plus strand (A>T on the coding strand, the complement: PEX11B is on the minus strand). VCF-style: chr1-145912386-T-A. GRCh37 (hg19) VCF-style: chr1-145522694-A-T.
Other names: c.513A>T, p.Gln171His (NM_001184795.1); short protein forms Q171H, Q185H.
Identifiers: ClinVar variation 1349386 (VCV001349386.8), dbSNP rs782128158, ClinGen allele CA29813142.

ClinVar aggregate classification (germline): Uncertain significance (1 of 4 stars; one submission).

Submission:

Labcorp Genetics (formerly Invitae), Labcorp
Classification: Uncertain significance. Last evaluated: 2022-07-06. Review status: criteria provided, single submitter. Criteria: Invitae Variant Classification Sherloc (09022015). Collection method: clinical testing. Allele origin: germline.
Comment: In summary, the available evidence is currently insufficient to determine the role of this variant in disease. Therefore, it has been classified as a Variant of Uncertain Significance. Algorithms developed to predict the effect of missense changes on protein structure and function output the following: SIFT: "Tolerated"; PolyPhen-2: "Benign"; Align-GVGD: "Class C0". The histidine amino acid residue is found in multiple mammalian species, which suggests that this missense change does not adversely affect protein function. ClinVar contains an entry for this variant (Variation ID: 1349386). This variant has not been reported in the literature in individuals affected with PEX11B-related conditions. This variant is not present in population databases (gnomAD no frequency). This sequence change replaces glutamine, which is neutral and polar, with histidine, which is basic and polar, at codon 185 of the PEX11B protein (p.Gln185His).